The following is an entry in ClinVar:

NM_001034850.3(RETREG1):c.321-2_321delinsTGT

Gene: RETREG1 (reticulophagy regulator 1; minus strand). Cytogenetic location: 5p15.1.
Variant type: Indel.
Coding change: c.321-2_321delinsTGT on transcript NM_001034850.3 (MANE Select); the canonical splice acceptor site of the intron before coding-DNA position 321 through coding-DNA position 321, AGG replaced by TGT.
Molecular consequence: splice acceptor variant.
Genome position (GRCh38, 1-based): chr5:16,572,102-16,572,104, CCT replaced by ACA on the plus strand (AGG replaced by TGT on the coding strand, the reverse complement: RETREG1 is on the minus strand). VCF-style: chr5-16572102-CCT-ACA. GRCh37 (hg19) VCF-style: chr5-16572211-CCT-ACA.
Identifiers: ClinVar variation 1800429 (VCV001800429.2), dbSNP rs2477712772, ClinGen allele CA2580073156.

ClinVar aggregate classification (germline): Likely pathogenic (1 of 4 stars; one submission).

Conditions:
Inborn genetic diseases. Identifiers: MedGen C0950123, MeSH D030342.

Submission:

Ambry Genetics
Classification: Likely pathogenic for Inborn genetic diseases. Last evaluated: 2019-12-13. Review status: criteria provided, single submitter. Criteria: Ambry Variant Classification Scheme 2023. Collection method: clinical testing. Allele origin: germline.
Comment: The c.321-2_321DELAGGINSTGT variant results from a deletion of 3 nucleotides at positions c.321-2 to c.321 in the FAM134B gene. This deletion spans the canonical splice acceptor site of coding exon 2. This variant was not reported in population-based cohorts in the Genome Aggregation Database (gnomAD). The deleted nucleotide positions are highly conserved in available vertebrate species. Using the BDGP and ESEfinder splice site prediction tools, this alteration is predicted to abolish the native splice acceptor site; however, direct experimental evidence is unavailable. Alterations that disrupt the canonical splice site are expected to cause aberrant splicing, resulting in an abnormal protein or a transcript that is subject to nonsense-mediated mRNA decay. As such, this alteration is classified as likely pathogenic.